The following is an entry in ClinVar:

ClinVar aggregate classification (germline): Uncertain significance. Review status: criteria provided, single submitter (1 of 4 stars). 2 submissions from 2 submitters: Uncertain significance (1). 1 of the submissions does not count toward it. Last evaluated 2021-08-28.

Conditions:
Athabaskan severe combined immunodeficiency (SCIDA). Also called: Severe combined immunodeficiency, athabascan-type. Identifiers: MedGen C1865370.
Severe combined immunodeficiency due to DCLRE1C deficiency (RS-SCID). Also called: SCID, AUTOSOMAL RECESSIVE, T CELL-NEGATIVE, B CELL-NEGATIVE, NK CELL-POSITIVE, WITH SENSITIVITY TO IONIZING RADIATION. Identifiers: Orphanet 275, MedGen C1865371, MONDO:0011225, OMIM 602450.

Allele frequency attached by ClinVar (database versions not stated): gnomAD 0.00002; ESP Exome Variant Server 0.00015; ExAC 0.00001; gnomAD exomes below 0.00001; TOPMed 0.00002.
gnomAD v4.1: 8 of 1,613,900 alleles (0.0005%); highest among the groups gnomAD compares: African/African-American, 0.011%; no homozygotes.

Submissions (2):

Labcorp Genetics (formerly Invitae), Labcorp
Classification: Uncertain significance for Athabaskan severe combined immunodeficiency. Last evaluated: 2021-08-28. Review status: criteria provided, single submitter. Criteria: Invitae Variant Classification Sherloc (09022015). Collection method: clinical testing. Allele origin: germline.
Comment: This sequence change replaces lysine with glutamic acid at codon 350 of the DCLRE1C protein (p.Lys350Glu). The lysine residue is moderately conserved and there is a small physicochemical difference between lysine and glutamic acid. This variant is present in population databases (rs146859738, ExAC 0.01%). This variant has not been reported in the literature in individuals affected with DCLRE1C-related conditions. Algorithms developed to predict the effect of missense changes on protein structure and function (SIFT, PolyPhen-2, Align-GVGD) all suggest that this variant is likely to be tolerated. In summary, the available evidence is currently insufficient to determine the role of this variant in disease. Therefore, it has been classified as a Variant of Uncertain Significance.

Natera, Inc.
Classification: Uncertain significance for Athabascan severe combined immunodeficiency. Last evaluated: 2020-09-09. Review status: no assertion criteria provided. Collection method: clinical testing. Allele origin: germline. Not counted in ClinVar's aggregate classification.

NM_001033855.3(DCLRE1C):c.1048A>G (p.Lys350Glu)

Gene: DCLRE1C (DNA cross-link repair 1C; minus strand). Cytogenetic location: 10p13.
Variant type: single nucleotide variant.
Coding change: c.1048A>G on transcript NM_001033855.3 (MANE Select); coding-DNA position 1048, A replaced by G.
Protein change: p.Lys350Glu; replaces lysine 350 with glutamic acid.
Molecular consequence: missense variant. On other transcripts: non-coding transcript variant (4).
Genome position (GRCh38, 1-based): chr10:14,922,994, T>C on the plus strand (A>G on the coding strand, the complement: DCLRE1C is on the minus strand). VCF-style: chr10-14922994-T-C. GRCh37 (hg19) VCF-style: chr10-14964993-T-C.
Other names: c.688A>G, p.Lys230Glu (NM_001033857.3, NM_001033858.3, NM_001289077.2 and 2 more transcripts); c.703A>G, p.Lys235Glu (NM_001289076.2, NM_001289078.2, NM_001350966.2 and 1 more transcripts); c.1048A>G, p.Lys350Glu (NM_001350965.2); short protein forms K230E, K350E, K235E.
Identifiers: ClinVar variation 953952 (VCV000953952.7), dbSNP rs146859738, ClinGen allele CA5416578.